The following is an entry in ClinVar:

ClinVar aggregate classification (germline): Uncertain significance. Review status: criteria provided, multiple submitters, no conflicts (2 of 4 stars). 2 submissions from 2 submitters: Uncertain significance (2). Last evaluated 2024-10-28.

Conditions:
Inborn genetic diseases. Identifiers: MedGen C0950123, MeSH D030342.
Charcot-Marie-Tooth disease, type I (CMT1). Also called: Charcot-Marie-Tooth, Type 1; Charcot-Marie-Tooth disease type 1. Identifiers: Orphanet 65753, MedGen C0751036, MONDO:0019011.

Allele frequency attached by ClinVar (database versions not stated): gnomAD 0.00001; gnomAD exomes 0.00001; ExAC 0.00002.

Submissions (2):

Labcorp Genetics (formerly Invitae), Labcorp
Classification: Uncertain significance for Charcot-Marie-Tooth disease, type I. Last evaluated: 2024-10-28. Review status: criteria provided, single submitter. Criteria: Invitae Variant Classification Sherloc (09022015). Collection method: clinical testing. Allele origin: germline.
Comment: This sequence change replaces leucine, which is neutral and non-polar, with phenylalanine, which is neutral and non-polar, at codon 175 of the MPZ protein (p.Leu175Phe). The frequency data for this variant in the population databases is considered unreliable, as metrics indicate poor data quality at this position in the gnomAD database. This missense change has been observed in individual(s) with MPZ-related conditions (PMID: 30373780). Invitae Evidence Modeling of protein sequence and biophysical properties (such as structural, functional, and spatial information, amino acid conservation, physicochemical variation, residue mobility, and thermodynamic stability) indicates that this missense variant is not expected to disrupt MPZ protein function with a negative predictive value of 80%. In summary, the available evidence is currently insufficient to determine the role of this variant in disease. Therefore, it has been classified as a Variant of Uncertain Significance.

Ambry Genetics
Classification: Uncertain significance for Inborn genetic diseases. Last evaluated: 2023-10-14. Review status: criteria provided, single submitter. Criteria: Ambry Variant Classification Scheme 2023. Collection method: clinical testing. Allele origin: germline.

Literature cited by the submitters: PubMed 30373780 (cited by Labcorp Genetics (formerly Invitae), Labcorp).

NM_000530.8(MPZ):c.523C>T (p.Leu175Phe)

Gene: MPZ (myelin protein zero; minus strand). Cytogenetic location: 1q23.3.
Variant type: single nucleotide variant.
Coding change: c.523C>T on transcript NM_000530.8 (MANE Select); coding-DNA position 523, C replaced by T.
Protein change: p.Leu175Phe; replaces leucine 175 with phenylalanine.
Molecular consequence: missense variant.
Genome position (GRCh38, 1-based): chr1:161,306,390, G>A on the plus strand (C>T on the coding strand, the complement: MPZ is on the minus strand). VCF-style: chr1-161306390-G-A. GRCh37 (hg19) VCF-style: chr1-161276180-G-A.
Other names: c.523C>T, p.Leu175Phe (NM_001315491.2); short protein forms L175F.
Identifiers: ClinVar variation 3203628 (VCV003203628.3), dbSNP rs779924223, ClinGen allele CA1210145.